The following is an entry in ClinVar:

NM_001130144.3(LTBP3):c.3694C>T (p.Pro1232Ser)

Gene: LTBP3 (latent transforming growth factor beta binding protein 3; minus strand). Cytogenetic location: 11q13.1.
Variant type: single nucleotide variant.
Coding change: c.3694C>T on transcript NM_001130144.3 (MANE Select); coding-DNA position 3694, C replaced by T.
Protein change: p.Pro1232Ser; replaces proline 1232 with serine.
Molecular consequence: missense variant.
Genome position (GRCh38, 1-based): chr11:65,539,394, G>A on the plus strand (C>T on the coding strand, the complement: LTBP3 is on the minus strand). VCF-style: chr11-65539394-G-A. GRCh37 (hg19) VCF-style: chr11-65306865-G-A.
Other names: c.3202C>T, p.Pro1068Ser (NM_001164266.1); c.3553C>T, p.Pro1185Ser (NM_021070.4); short protein forms P1232S, P1068S, P1185S.
Identifiers: ClinVar variation 1733986 (VCV001733986.3), dbSNP rs902468997, ClinGen allele CA224008257.

ClinVar aggregate classification (germline): Uncertain significance. Review status: criteria provided, multiple submitters, no conflicts (2 of 4 stars). 2 submissions from 2 submitters: Uncertain significance (2). Last evaluated 2025-02-26.

Conditions:
Brachyolmia-amelogenesis imperfecta syndrome. Also called: Tooth agenesis, selective, 6; Dental anomalies and short stature; PLATYSPONDYLY WITH AMELOGENESIS IMPERFECTA. Identifiers: Orphanet 2899, MedGen C1832594, MONDO:0011018, OMIM 601216. Disease mechanism: loss of function.
Inborn genetic diseases. Identifiers: MedGen C0950123, MeSH D030342.

Allele frequency attached by ClinVar (database versions not stated): gnomAD exomes below 0.00001; gnomAD 0.00001; TOPMed 0.00001.
gnomAD v4.1: 3 of 1,546,910 alleles (0.00019%); highest among the groups gnomAD compares: African/African-American, 0.0027%; no homozygotes.

Submissions (2):

Labcorp Genetics (formerly Invitae), Labcorp
Classification: Uncertain significance for Brachyolmia-amelogenesis imperfecta syndrome. Last evaluated: 2025-02-26. Review status: criteria provided, single submitter. Criteria: Invitae Variant Classification Sherloc (09022015). Collection method: clinical testing. Allele origin: germline.
Comment: This sequence change replaces proline, which is neutral and non-polar, with serine, which is neutral and polar, at codon 1232 of the LTBP3 protein (p.Pro1232Ser). This variant is not present in population databases (gnomAD no frequency). This variant has not been reported in the literature in individuals affected with LTBP3-related conditions. ClinVar contains an entry for this variant (Variation ID: 1733986). An algorithm developed to predict the effect of missense changes on protein structure and function (PolyPhen-2) suggests that this variant is likely to be tolerated. In summary, the available evidence is currently insufficient to determine the role of this variant in disease. Therefore, it has been classified as a Variant of Uncertain Significance.

Ambry Genetics
Classification: Uncertain significance for Inborn genetic diseases. Last evaluated: 2021-07-27. Review status: criteria provided, single submitter. Criteria: Ambry Variant Classification Scheme 2023. Collection method: clinical testing. Allele origin: germline.
Comment: The p.P1232S variant (also known as c.3694C>T), located in coding exon 27 of the LTBP3 gene, results from a C to T substitution at nucleotide position 3694. The proline at codon 1232 is replaced by serine, an amino acid with similar properties. This amino acid position is conserved. In addition, the in silico prediction for this alteration is inconclusive. Since supporting evidence is limited at this time, the clinical significance of this alteration remains unclear.